The following is an entry in ClinVar:

ClinVar aggregate classification (germline): Uncertain significance. Review status: reviewed by expert panel (3 of 4 stars). 3 submissions from 3 submitters: Uncertain significance (1). 2 of the submissions do not count toward it. Last evaluated 2024-07-25.

Conditions:
Hereditary thrombocytopenia and hematological cancer predisposition syndrome associated with RUNX1. Also called: Familial Platelet Disorder with Propensity to Acute Myelogenous Leukemia; Familial thrombocytopenia with propensity to acute myelogenous leukemia; PLATELET DISORDER, ASPIRIN-LIKE; RUNX1 Familial Platelet Disorder with Associated Myeloid Malignancies. Identifiers: Orphanet 71290, MedGen C1832388, MeSH C563324, MONDO:0100083, OMIM 601399.

Submissions (3):

ClinGen Myeloid Malignancy Variant Curation Expert Panel
Classification: Uncertain significance for Hereditary thrombocytopenia and hematological cancer predisposition syndrome associated with RUNX1. Last evaluated: 2024-07-25. Review status: reviewed by expert panel. Criteria: ClinGen MyeloMalig ACMG Specifications v2. Collection method: curation. Allele origin: germline. Inheritance: Autosomal dominant inheritance.
Comment: NM_001754.5(RUNX1):c.99T>C (p.Asp33=) is a synonymous variant which is completely absent from all population databases with at least 20x coverage for RUNX1 (PM2_supporting). This variant has a SpliceAI predicted acceptor loss of 0.32, which indicates it may impact splicing (BP4/BP7 not applied). In summary, the clinical significance of this variant is uncertain. ACMG/AMP criteria applied, as specified by the Myeloid Malignancy Variant Curation Expert Panel for RUNX1: PM2_supporting.

Labcorp Genetics (formerly Invitae), Labcorp
Classification: Likely benign for Hereditary thrombocytopenia and hematological cancer predisposition syndrome associated with RUNX1. Last evaluated: 2022-08-09. Review status: criteria provided, single submitter. Criteria: Invitae Variant Classification Sherloc (09022015). Collection method: clinical testing. Allele origin: germline. Not counted in ClinVar's aggregate classification.

Genetic Services Laboratory, University of Chicago
Classification: Uncertain significance. Last evaluated: 2017-03-10. Review status: criteria provided, single submitter. Criteria: ACMG Guidelines, 2015. Collection method: clinical testing. Allele origin: germline. Affected: no. Not counted in ClinVar's aggregate classification.

NM_001754.5(RUNX1):c.99T>C (p.Asp33=)

Gene: RUNX1 (RUNX family transcription factor 1; minus strand). Cytogenetic location: 21q22.12.
Variant type: single nucleotide variant.
Coding change: c.99T>C on transcript NM_001754.5 (MANE Select); coding-DNA position 99, T replaced by C.
Protein change: p.Asp33=; no amino-acid change (aspartic acid 33 retained).
Molecular consequence: synonymous variant.
Genome position (GRCh38, 1-based): chr21:34,887,095, A>G on the plus strand (T>C on the coding strand, the complement: RUNX1 is on the minus strand). VCF-style: chr21-34887095-A-G. GRCh37 (hg19) VCF-style: chr21-36259392-A-G.
Other names: NM_001754.5(RUNX1):c.99T>C; p.Asp33=; c.18T>C, p.Asp6= (NM_001001890.3, NM_001122607.2).
Identifiers: ClinVar variation 436612 (VCV000436612.14), dbSNP rs762090330, ClinGen allele CA512319003.